The following is an entry in ClinVar:

NM_001103.4(ACTN2):c.784-501T>C

Gene: ACTN2 (actinin alpha 2; plus strand). Cytogenetic location: 1q43.
Variant type: single nucleotide variant.
Coding change: c.784-501T>C on transcript NM_001103.4 (MANE Select); 501 bases into the intron before coding-DNA position 784, T replaced by C.
Molecular consequence: intron variant. On other transcripts: non-coding transcript variant (1).
Genome position (GRCh38, 1-based): chr1:236,736,621, T>C. VCF-style: chr1-236736621-T-C. GRCh37 (hg19) VCF-style: chr1-236899921-T-C.
Other names: c.784-501T>C (NM_001278343.2); c.112T>C (NM_001278344.1).
Identifiers: ClinVar variation 3895069 (VCV003895069.1).

ClinVar aggregate classification (germline): Likely benign (1 of 4 stars; one submission).

gnomAD v4.1: 1 of 1,535,674 alleles (0.000065%); highest among the groups gnomAD compares: Non-Finnish European, 0.000087%; no homozygotes.

Submission:

Molecular Diagnostic Laboratory for Inherited Cardiovascular Disease, Montreal Heart Institute
Classification: Likely benign. Last evaluated: 2025-04-09. Review status: criteria provided, single submitter. Criteria: ACMG Guidelines, 2015. Collection method: clinical testing. Allele origin: germline. Affected: no.
Comment: PM2, BP4